The following is an entry in ClinVar:

NM_001372106.1(DNAH10):c.13669G>A (p.Ala4557Thr)

Gene: DNAH10 (dynein axonemal heavy chain 10; plus strand). Cytogenetic location: 12q24.31.
Variant type: single nucleotide variant.
Coding change: c.13669G>A on transcript NM_001372106.1 (MANE Select); coding-DNA position 13669, G replaced by A.
Protein change: p.Ala4557Thr; replaces alanine 4557 with threonine.
Molecular consequence: missense variant.
Genome position (GRCh38, 1-based): chr12:123,935,380, G>A. VCF-style: chr12-123935380-G-A. GRCh37 (hg19) VCF-style: chr12-124419927-G-A.
Other names: c.13315G>A, p.Ala4439Thr (NM_207437.3); short protein forms A4439T, A4557T.
Identifiers: ClinVar variation 5017575 (VCV005017575.1).

ClinVar aggregate classification (germline): Uncertain significance (1 of 4 stars; one submission).

gnomAD v4.1: 33 of 1,611,698 alleles (0.002%); highest among the groups gnomAD compares: Non-Finnish European, 0.0023%; no homozygotes.

Submission:

GeneDx
Classification: Uncertain significance. Last evaluated: 2026-03-31. Review status: criteria provided, single submitter. Criteria: GeneDx Variant Classification Process June 2021. Collection method: clinical testing. Allele origin: germline.
Comment: In silico analysis supports that this missense variant has a deleterious effect on protein structure/function; Has not been previously published as pathogenic or benign to our knowledge